The following is an entry in ClinVar:

ClinVar aggregate classification (germline): Benign/Likely benign. Review status: criteria provided, multiple submitters, no conflicts (2 of 4 stars). 3 submissions from 3 submitters: Benign (1); Likely benign (2). Last evaluated 2026-01-19.

Allele frequency attached by ClinVar (database versions not stated): TOPMed 0.00009; ESP Exome Variant Server 0.00015; 1000 Genomes Project 30x 0.00047; 1000 Genomes Project 0.00060; gnomAD 0.00153; ExAC 0.00161.
gnomAD v4.1: 1,442 of 1,613,578 alleles (0.089%); highest among the groups gnomAD compares: Middle Eastern, 0.017%; 18 homozygotes.

Submissions (3):

Labcorp Genetics (formerly Invitae), Labcorp
Classification: Benign. Last evaluated: 2026-01-19. Review status: criteria provided, single submitter. Criteria: Invitae Variant Classification Sherloc (09022015). Collection method: clinical testing. Allele origin: germline.

Blueprint Genetics
Classification: Likely benign. Last evaluated: 2024-10-29. Review status: criteria provided, single submitter. Criteria: ACMG Guidelines, 2015. Collection method: clinical testing. Allele origin: germline.

CeGaT Center for Human Genetics Tuebingen
Classification: Likely benign. Last evaluated: 2024-06-01. Review status: criteria provided, single submitter. Criteria: CeGaT Center For Human Genetics Tuebingen Variant Classification Criteria Version 2. Collection method: clinical testing. Allele origin: germline. Affected: yes. Observed: 1 variant allele.
Comment: SLC4A1: BP4, BP7

NM_000342.4(SLC4A1):c.702C>T (p.Ala234=)

Gene: SLC4A1 (solute carrier family 4 member 1 (Diego blood group); minus strand). Cytogenetic location: 17q21.31.
Variant type: single nucleotide variant.
Coding change: c.702C>T on transcript NM_000342.4 (MANE Select); coding-DNA position 702, C replaced by T.
Protein change: p.Ala234=; no amino-acid change (alanine 234 retained).
Molecular consequence: synonymous variant.
Genome position (GRCh38, 1-based): chr17:44,259,337, G>A on the plus strand (C>T on the coding strand, the complement: SLC4A1 is on the minus strand). VCF-style: chr17-44259337-G-A. GRCh37 (hg19) VCF-style: chr17-42336705-G-A.
Identifiers: ClinVar variation 2073185 (VCV002073185.23), dbSNP rs188161190, ClinGen allele CA8600489.
Genomic context (GRCh38, chr17:44,259,337, plus strand): 5'-CTCCAGCTCCGCTGCCTCCTGCAGCCTCACGAAGCCCAGCACCGGCTGCTCCAGGAAGTC[G>A]GCGCGGCCTGTTAGGGGATGAGAAGATCAGGCCAGGCCGAGGAGCCCAGGGTGGGTGTGC-3'
Protein context (NP_000333.1, residues 224-244): SEATLVLVGR[Ala234=]DFLEQPVLGF